The following is an entry in ClinVar:

ClinVar aggregate classification (germline): Uncertain significance. Review status: criteria provided, multiple submitters, no conflicts (2 of 4 stars). 3 submissions from 3 submitters: Uncertain significance (3). Last evaluated 2025-02-18.

Conditions:
MHC class I deficiency. Identifiers: Orphanet 34592, MedGen C6024714, MONDO:0011476.

Allele frequency attached by ClinVar (database versions not stated): gnomAD exomes 0.00010 and 0.00021; ESP Exome Variant Server 0.00012; gnomAD 0.00012 and 0.00013; ExAC 0.00026; TOPMed 0.00028; 1000 Genomes Project 0.00020; 1000 Genomes Project 30x 0.00016.

Submissions (3):

GeneDx
Classification: Uncertain significance. Last evaluated: 2025-02-18. Review status: criteria provided, single submitter. Criteria: GeneDx Variant Classification Process June 2021. Collection method: clinical testing. Allele origin: germline. Affected: yes.
Comment: In silico analysis supports that this missense variant has a deleterious effect on protein structure/function; Has not been previously published as pathogenic or benign to our knowledge

Labcorp Genetics (formerly Invitae), Labcorp
Classification: Uncertain significance for MHC class I deficiency 1. Last evaluated: 2025-02-03. Review status: criteria provided, single submitter. Criteria: Invitae Variant Classification Sherloc (09022015). Collection method: clinical testing. Allele origin: germline.
Comment: This sequence change replaces aspartic acid, which is acidic and polar, with asparagine, which is neutral and polar, at codon 530 of the TAP2 protein (p.Asp530Asn). This variant is present in population databases (rs140969189, gnomAD 0.1%). This variant has not been reported in the literature in individuals affected with TAP2-related conditions. ClinVar contains an entry for this variant (Variation ID: 571127). Experimental studies and prediction algorithms are not available or were not evaluated, and the functional significance of this variant is currently unknown. In summary, the available evidence is currently insufficient to determine the role of this variant in disease. Therefore, it has been classified as a Variant of Uncertain Significance.

Blueprint Genetics
Classification: Uncertain significance. Last evaluated: 2024-11-05. Review status: criteria provided, single submitter. Criteria: ACMG Guidelines, 2015. Collection method: clinical testing. Allele origin: germline.

NM_001290043.2(TAP2):c.1588G>A (p.Asp530Asn)

Gene: TAP2 (transporter 2, ATP binding cassette subfamily B member; minus strand). Cytogenetic location: 6p21.32.
Variant type: single nucleotide variant.
Coding change: c.1588G>A on transcript NM_001290043.2 (MANE Select); coding-DNA position 1588, G replaced by A.
Protein change: p.Asp530Asn; replaces aspartic acid 530 with asparagine.
Molecular consequence: missense variant.
Genome position (GRCh38, 1-based): chr6:32,830,314, C>T on the plus strand (G>A on the coding strand, the complement: TAP2 is on the minus strand). VCF-style: chr6-32830314-C-T. GRCh37 (hg19) VCF-style: chr6-32798091-C-T.
Other names: c.1588G>A, p.Asp530Asn (NM_000544.3, NM_018833.3); short protein forms D530N.
Identifiers: ClinVar variation 571127 (VCV000571127.10), dbSNP rs140969189, ClinGen allele CA3745860.